The following is an entry in ClinVar:

ClinVar aggregate classification (germline): Uncertain significance. Review status: criteria provided, multiple submitters, no conflicts (2 of 4 stars). 4 submissions from 4 submitters: Uncertain significance (3). 1 of the submissions does not count toward it. Last evaluated 2024-07-11.

Conditions:
Cardiovascular phenotype. Identifiers: MedGen CN230736.
Dilated cardiomyopathy 1KK (CMD1KK). Identifiers: Orphanet 154, Orphanet 75249, MedGen C3714995, MONDO:0014100, OMIM 615248.
Primary dilated cardiomyopathy (DCM). Also called: Dilated Cardiomyopathy. Identifiers: Orphanet 217604, MedGen C0007193, MeSH D002311, MONDO:0005021, HP:0001644. Inheritance: Various modes of inheritance.
MYPN-related myopathy (CMYO24). Also called: Nemaline myopathy 11, autosomal recessive. Identifiers: MedGen C4479186, MONDO:0015023, OMIM 617336.

Allele frequency attached by ClinVar (database versions not stated): gnomAD 0.00001; gnomAD exomes 0.00001 and 0.00002; TOPMed 0.00002; ExAC 0.00003.
gnomAD v4.1: 17 of 1,614,108 alleles (0.0011%); highest among the groups gnomAD compares: Admixed American, 0.0083%; no homozygotes.

Submissions (4):

Ambry Genetics
Classification: Uncertain significance for Cardiovascular phenotype. Last evaluated: 2024-07-11. Review status: criteria provided, single submitter. Criteria: Ambry Variant Classification Scheme 2023. Collection method: clinical testing. Allele origin: germline.
Comment: The p.D103V variant (also known as c.308A>T), located in coding exon 1 of the MYPN gene, results from an A to T substitution at nucleotide position 308. The aspartic acid at codon 103 is replaced by valine, an amino acid with highly dissimilar properties. This alteration has been reported in cardiomyopathy cohorts; however, clinical details were limited (Ware JS et al. J Am Coll Cardiol, 2018 May;71:2293-2302; Cowan JR et al. Circ Genom Precis Med, 2018 Jul;11:e002038). This amino acid position is not well conserved in available vertebrate species. In addition, the in silico prediction for this alteration is inconclusive. Based on the available evidence, the clinical significance of this variant remains unclear.

Labcorp Genetics (formerly Invitae), Labcorp
Classification: Uncertain significance for Dilated cardiomyopathy 1KK. Last evaluated: 2022-08-01. Review status: criteria provided, single submitter. Criteria: Invitae Variant Classification Sherloc (09022015). Collection method: clinical testing. Allele origin: germline.
Comment: This sequence change replaces aspartic acid, which is acidic and polar, with valine, which is neutral and non-polar, at codon 103 of the MYPN protein (p.Asp103Val). This variant is present in population databases (rs758026056, gnomAD 0.01%). This missense change has been observed in individual(s) with clinical features of MYPN-related conditions (PMID: 30012837). ClinVar contains an entry for this variant (Variation ID: 979033). Algorithms developed to predict the effect of missense changes on protein structure and function (SIFT, PolyPhen-2, Align-GVGD) all suggest that this variant is likely to be tolerated. In summary, the available evidence is currently insufficient to determine the role of this variant in disease. Therefore, it has been classified as a Variant of Uncertain Significance.

Fulgent Genetics
Classification: Uncertain significance for Dilated cardiomyopathy 1KK; MYPN-related myopathy. Last evaluated: 2021-10-14. Review status: criteria provided, single submitter. Criteria: ACMG Guidelines, 2015. Collection method: clinical testing. Allele origin: unknown.

University of Washington Center for Mendelian Genomics, University of Washington
Classification: Uncertain significance for Dilated Cardiomyopathy. Review status: no assertion criteria provided. Collection method: research. Allele origin: unknown. Affected: yes. Not counted in ClinVar's aggregate classification.

Literature cited by the submitters: PubMed 29773157 (cited by Ambry Genetics); PubMed 30012837 (cited by 3 submitters).

NM_032578.4(MYPN):c.308A>T (p.Asp103Val)

Gene: MYPN (myopalladin; plus strand). Cytogenetic location: 10q21.3.
Variant type: single nucleotide variant.
Coding change: c.308A>T on transcript NM_032578.4 (MANE Select); coding-DNA position 308, A replaced by T.
Protein change: p.Asp103Val; replaces aspartic acid 103 with valine.
Molecular consequence: missense variant. On other transcripts: 5 prime UTR variant (1), non-coding transcript variant (1).
Genome position (GRCh38, 1-based): chr10:68,121,746, A>T. VCF-style: chr10-68121746-A-T. GRCh37 (hg19) VCF-style: chr10-69881503-A-T.
Other names: c.308A>T, p.Asp103Val (NM_001256267.2); c.-815A>T (NM_001256268.2); c.308A>T (NM_032578.2); short protein forms D103V.
Identifiers: ClinVar variation 979033 (VCV000979033.5), dbSNP rs758026056, ClinGen allele CA5522256.